The following is an entry in ClinVar:

ClinVar aggregate classification (germline): Uncertain significance. Review status: criteria provided, multiple submitters, no conflicts (2 of 4 stars). 3 submissions from 3 submitters: Uncertain significance (2). 1 of the submissions does not count toward it. Last evaluated 2025-09-02.

Conditions:
TMC1-related disorder. Also called: TMC1-related disorders; TMC1-related condition.

Allele frequency attached by ClinVar (database versions not stated): gnomAD 0.00008 and 0.00009; TOPMed 0.00013; ExAC 0.00014; gnomAD exomes 0.00014; 1000 Genomes Project 30x 0.00016; 1000 Genomes Project 0.00020.
gnomAD v4.1: 180 of 1,613,986 alleles (0.011%); highest among the groups gnomAD compares: East Asian, 0.069%; no homozygotes.

Submissions (3):

GeneDx
Classification: Uncertain significance. Last evaluated: 2025-09-02. Review status: criteria provided, single submitter. Criteria: GeneDx Variant Classification Process June 2021. Collection method: clinical testing. Allele origin: germline. Affected: yes.
Comment: In silico analysis supports that this missense variant has a deleterious effect on protein structure/function; Has not been previously published as pathogenic or benign to our knowledge

Eurofins Ntd Llc (ga)
Classification: Uncertain significance. Last evaluated: 2016-05-03. Review status: criteria provided, single submitter. Criteria: EGL Classification Definitions 2015. Collection method: clinical testing. Allele origin: germline. Observed: 1 variant allele, 1 heterozygote.

PreventionGenetics, part of Exact Sciences
Classification: Likely benign for TMC1-related condition. Last evaluated: 2024-08-11. Review status: no assertion criteria provided. Collection method: clinical testing. Allele origin: germline. Not counted in ClinVar's aggregate classification.
Comment: This variant is classified as likely benign based on ACMG/AMP sequence variant interpretation guidelines (Richards et al. 2015 PMID: 25741868, with internal and published modifications).

NM_138691.3(TMC1):c.1622T>C (p.Ile541Thr)

Gene: TMC1 (transmembrane channel like 1; plus strand). Cytogenetic location: 9q21.13.
Variant type: single nucleotide variant.
Coding change: c.1622T>C on transcript NM_138691.3 (MANE Select); coding-DNA position 1622, T replaced by C.
Protein change: p.Ile541Thr; replaces isoleucine 541 with threonine.
Molecular consequence: missense variant.
Genome position (GRCh38, 1-based): chr9:72,805,437, T>C. VCF-style: chr9-72805437-T-C. GRCh37 (hg19) VCF-style: chr9-75420353-T-C.
Other names: c.1622T>C (NM_138691.2); short protein forms I541T.
Identifiers: ClinVar variation 287162 (VCV000287162.8), dbSNP rs201955337, ClinGen allele CA5082002.
Genomic context (GRCh38, chr9:72,805,437, plus strand): 5'-AACAGGAGTTTGTGAGGCTGACAGTCTCTGATGTTCTGACCACCTACGTCACAATCCTCA[T>C]TGGGGACTTTCTAAGGGCATGTTTTGTGAGGTTTTGCAATTATTGCTGGTGCTGGGACTT-3'
Protein context (NP_619636.2, residues 531-551): DVLTTYVTIL[Ile541Thr]GDFLRACFVR